The following is an entry in ClinVar:

ClinVar aggregate classification (germline): Uncertain significance. Review status: reviewed by expert panel (3 of 4 stars). 3 submissions from 3 submitters: Uncertain significance (1). 2 of the submissions do not count toward it. Last evaluated 2026-05-21.

Conditions:
Ornithine carbamoyltransferase deficiency (OTCD). Also called: ORNITHINE TRANSCARBAMYLASE DEFICIENCY; ORNITHINE TRANSCARBAMYLASE DEFICIENCY, HYPERAMMONEMIA DUE TO; OTC DEFICIENCY; Ornithine Carbamoyltransferase Deficiency Disease. Identifiers: Orphanet 664, MedGen C0268542, MONDO:0010703, OMIM 311250.

gnomAD v4.1: 14 of 1,199,122 alleles (0.0012%); highest among the groups gnomAD compares: Non-Finnish European, 0.0016%; no homozygotes.

Submissions (3):

Clingen Urea Cycle Disorders Variant Curation Expert Panel, ClinGen
Classification: Uncertain significance for Ornithine carbamoyltransferase deficiency. Last evaluated: 2026-05-21. Review status: reviewed by expert panel. Criteria: ClinGen UreaCycles ACMG Specifications OTC V1.0. Collection method: curation. Allele origin: germline. Inheritance: X-linked inheritance.
Comment: The NM_000531.6:c.387T>C variant in OTC is a synonymous (silent) variant (p.Arg129_Val130=) that is not predicted by SpliceAI to impact splicing and the nucleotide (BP4), however the nucleotide is within the first 3 bases of an exon, so BP7 is not applicable. To our knowledge, this variant has not been reported in the literature and results of functional studies are unavailable. Grpmax MAF in gnomAD v4.1.0 is 0.000009190 in the European (non-Finnish) population which is lower than the ClinGen UCD VCEP’s threshold for PM2_Supporting (<0.000015) and there are ≤1 hemizygotes/homozygotes across all populations, meeting this criterion (PM2_Supporting). In summary, this variant meets the criteria to be classified as a variant of uncertain significance for OTC deficiency based on the ACMG/AMP criteria applied, as specified by the ClinGen Urea Cycle Disorders Variant Curation Expert Panel (OTC specifications version 1.0.0): BP4, PM2_Supporting.

Color Diagnostics, LLC DBA Color Health
Classification: Likely benign for Ornithine carbamoyltransferase deficiency. Last evaluated: 2025-10-03. Review status: criteria provided, single submitter. Criteria: ACMG Guidelines, 2015. Collection method: clinical testing. Allele origin: germline. Not counted in ClinVar's aggregate classification.

Labcorp Genetics (formerly Invitae), Labcorp
Classification: Uncertain significance for Ornithine carbamoyltransferase deficiency. Last evaluated: 2022-06-04. Review status: criteria provided, single submitter. Criteria: Invitae Variant Classification Sherloc (09022015). Collection method: clinical testing. Allele origin: germline. Not counted in ClinVar's aggregate classification.
Comment: This sequence change affects codon 129 of the OTC mRNA. It is a 'silent' change, meaning that it does not change the encoded amino acid sequence of the OTC protein. It affects a nucleotide within the consensus splice site. The frequency data for this variant in the population databases is considered unreliable, as metrics indicate poor data quality at this position in the gnomAD database. This variant has not been reported in the literature in individuals affected with OTC-related conditions. Algorithms developed to predict the effect of sequence changes on RNA splicing suggest that this variant is not likely to affect RNA splicing. In summary, the available evidence is currently insufficient to determine the role of this variant in disease. Therefore, it has been classified as a Variant of Uncertain Significance.

NM_000531.6(OTC):c.387T>C (p.Arg129=)

Gene: OTC (ornithine transcarbamylase; plus strand). Cytogenetic location: Xp11.4.
Variant type: single nucleotide variant.
Coding change: c.387T>C on transcript NM_000531.6 (MANE Select); coding-DNA position 387, T replaced by C.
Protein change: p.Arg129=; no amino-acid change (arginine 129 retained).
Molecular consequence: synonymous variant.
Genome position (GRCh38, 1-based): chrX:38,401,275, T>C. VCF-style: chrX-38401275-T-C. GRCh37 (hg19) VCF-style: chrX-38260528-T-C.
Other names: NM_000531.6(OTC):c.387T>C; p.Arg129_Val130=; c.387T>C, p.Arg129= (NM_001407092.1).
Identifiers: ClinVar variation 1915613 (VCV001915613.4), dbSNP rs1052206430, ClinGen allele CA515650395.